The following is an entry in ClinVar:

NM_145059.3(FCSK):c.1367A>G (p.Asn456Ser)

Gene: FCSK (fucose kinase; plus strand). Cytogenetic location: 16q22.1.
Variant type: single nucleotide variant.
Coding change: c.1367A>G on transcript NM_145059.3 (MANE Select); coding-DNA position 1367, A replaced by G.
Protein change: p.Asn456Ser; replaces asparagine 456 with serine.
Molecular consequence: missense variant.
Genome position (GRCh38, 1-based): chr16:70,472,566, A>G. VCF-style: chr16-70472566-A-G. GRCh37 (hg19) VCF-style: chr16-70506469-A-G.
Other names: c.1367A>G (NM_145059.2); short protein forms N456S.
Identifiers: ClinVar variation 2918738 (VCV002918738.4), dbSNP rs372933428, ClinGen allele CA8143305.
Genomic context (GRCh38, chr16:70,472,566, plus strand): 5'-CCCTGCAGCCCTGACTGCTTCTTCCTCTCCCCCAGAGACAGGGGGCAGGCACATATCTCA[A>G]CGTGCCCTGGAGTGAATTCTTCAAGAGGACAGGTGTTCGGTAAGGTGGACACCCCTAGGG-3'
Protein context (NP_659496.2, residues 446-466): WERQGAGTYL[Asn456Ser]VPWSEFFKRT

ClinVar aggregate classification (germline): Uncertain significance. Review status: criteria provided, multiple submitters, no conflicts (2 of 4 stars). 2 submissions from 2 submitters: Uncertain significance (2). Last evaluated 2023-08-04.

Allele frequency attached by ClinVar (database versions not stated): gnomAD exomes below 0.00001; TOPMed 0.00001; ExAC 0.00002; gnomAD 0.00002; ESP Exome Variant Server 0.00008; 1000 Genomes Project 0.00020; 1000 Genomes Project 30x 0.00031.
gnomAD v4.1: 6 of 1,612,996 alleles (0.00037%); highest among the groups gnomAD compares: Middle Eastern, 0.017%; no homozygotes.

Submissions (2):

Labcorp Genetics (formerly Invitae), Labcorp
Classification: Uncertain significance. Last evaluated: 2023-08-04. Review status: criteria provided, single submitter. Criteria: Invitae Variant Classification Sherloc (09022015). Collection method: clinical testing. Allele origin: germline.
Comment: In summary, the available evidence is currently insufficient to determine the role of this variant in disease. Therefore, it has been classified as a Variant of Uncertain Significance. An algorithm developed to predict the effect of missense changes on protein structure and function (PolyPhen-2) suggests that this variant is likely to be disruptive. This variant has not been reported in the literature in individuals affected with FUK-related conditions. This variant is present in population databases (rs372933428, gnomAD 0.007%). This sequence change replaces asparagine, which is neutral and polar, with serine, which is neutral and polar, at codon 456 of the FUK protein (p.Asn456Ser).

Ambry Genetics
Classification: Uncertain significance. Last evaluated: 2022-02-03. Review status: criteria provided, single submitter. Criteria: Ambry Variant Classification Scheme 2023. Collection method: clinical testing. Allele origin: germline.